The following is an entry in ClinVar:

ClinVar aggregate classification (germline): Pathogenic (1 of 4 stars; one submission).

Conditions:
Primary failure of tooth eruption. Also called: DENTAL NONERUPTION; PRIMARY RETENTION OF TEETH; UNERUPTED SECOND PRIMARY MOLAR; POSTERIOR OPENBITE MALOCCLUSION, FAMILIAL. Identifiers: Orphanet 412206, MedGen C1852222, MONDO:0007434, OMIM 125350.

Submission:

Center of Excellence in Precision Medicine and Digital Health (CEPMDH), Faculty of Dentistry, Chulalongkorn University
Classification: Pathogenic for Primary failure of tooth eruption. Review status: criteria provided, single submitter. Criteria: ACMG Guidelines, 2015. Collection method: research. Allele origin: germline. Inheritance: Autosomal dominant inheritance. Affected: yes. Observed: 2 variant alleles, 2 heterozygotes. Clinical features observed: Eruption failure (HP:0000706).
Comment: The c.685T>C missense variant in PTH1R was identified in a Thai family with autosomal dominant primary failure of tooth eruption (PFE) showing incomplete penetrance. This variant was detected in the proband, who exhibited clinical signs of PFE, and in the mother, who was unaffected. Risom L. et al. (2013) reported six novel PTH1R mutations in families with PFE, including missense variants. Grippaudo C. et al. (2019) reported a PTH1R variant associated with incomplete penetrance of PFE. In summary, the c.685T>C variant is classified as pathogenic according to ACMG guidelines.

Literature cited by the submitters: PubMed 24058597; PubMed 31730001.

NM_000316.3(PTH1R):c.685T>C (p.Ser229Pro)

Gene: PTH1R (parathyroid hormone 1 receptor; plus strand). Cytogenetic location: 3p21.31.
Variant type: single nucleotide variant.
Coding change: c.685T>C on transcript NM_000316.3 (MANE Select); coding-DNA position 685, T replaced by C.
Protein change: p.Ser229Pro; replaces serine 229 with proline.
Molecular consequence: missense variant.
Genome position (GRCh38, 1-based): chr3:46,898,708, T>C. VCF-style: chr3-46898708-T-C. GRCh37 (hg19) VCF-style: chr3-46940198-T-C.
Other names: c.685T>C, p.Ser229Pro (NM_001184744.1); short protein forms S229P.
Identifiers: ClinVar variation 4075801 (VCV004075801.1).